The following is an entry in ClinVar:

ClinVar aggregate classification (germline): Uncertain significance (1 of 4 stars; one submission).

Conditions:
Hereditary spastic paraplegia 11. Also called: Spastic Paraplegia 11; SPASTIC PARAPLEGIA, AUTOSOMAL RECESSIVE, COMPLICATED, WITH THIN CORPUS CALLOSUM; SPASTIC PARAPLEGIA, AUTOSOMAL RECESSIVE, WITH MENTAL IMPAIRMENT AND THIN CORPUS CALLOSUM; Nakamura Osame syndrome; Autosomal recessive hereditary spastic paraplegia, mental impairment, and thin corpus callosum; Spastic paraplegia, mental retardation and thin corpus callosum. Identifiers: Orphanet 2822, MedGen C1858479, MONDO:0011445, OMIM 604360.

Submission:

Labcorp Genetics (formerly Invitae), Labcorp
Classification: Uncertain significance for Hereditary spastic paraplegia 11. Last evaluated: 2022-08-16. Review status: criteria provided, single submitter. Criteria: Invitae Variant Classification Sherloc (09022015). Collection method: clinical testing. Allele origin: germline.
Comment: This variant is not present in population databases (gnomAD no frequency). This sequence change replaces histidine, which is basic and polar, with arginine, which is basic and polar, at codon 1913 of the SPG11 protein (p.His1913Arg). In summary, the available evidence is currently insufficient to determine the role of this variant in disease. Therefore, it has been classified as a Variant of Uncertain Significance. Algorithms developed to predict the effect of missense changes on protein structure and function are either unavailable or do not agree on the potential impact of this missense change (SIFT: "Tolerated"; PolyPhen-2: "Possibly Damaging"; Align-GVGD: "Class C0"). ClinVar contains an entry for this variant (Variation ID: 1001371). This variant has not been reported in the literature in individuals affected with SPG11-related conditions.

NM_025137.4(SPG11):c.5738A>G (p.His1913Arg)

Gene: SPG11 (SPG11 vesicle trafficking associated, spatacsin; minus strand). Cytogenetic location: 15q21.1.
Variant type: single nucleotide variant.
Coding change: c.5738A>G on transcript NM_025137.4 (MANE Select); coding-DNA position 5738, A replaced by G.
Protein change: p.His1913Arg; replaces histidine 1913 with arginine.
Molecular consequence: missense variant.
Genome position (GRCh38, 1-based): chr15:44,583,942, T>C on the plus strand (A>G on the coding strand, the complement: SPG11 is on the minus strand). VCF-style: chr15-44583942-T-C. GRCh37 (hg19) VCF-style: chr15-44876140-T-C.
Other names: c.5738A>G, p.His1913Arg (NM_001160227.2); short protein forms H1913R.
Identifiers: ClinVar variation 1001371 (VCV001001371.8), dbSNP rs2082704823, ClinGen allele CA392221524.